The following is an entry in ClinVar:

ClinVar aggregate classification (germline): Conflicting classifications of pathogenicity. Review status: criteria provided, conflicting classifications (1 of 4 stars). 3 submissions from 3 submitters: Uncertain significance (2); Likely benign (1). Last evaluated 2026-09-23.

Conditions:
COL18A1-related disorder. Also called: COL18A1-related condition; COL18A1-related disorders.

Allele frequency attached by ClinVar (database versions not stated): gnomAD exomes 0.00005 and 0.00010; ESP Exome Variant Server 0.00026; ExAC 0.00027; gnomAD 0.00038 and 0.00040; 1000 Genomes Project 0.00040; TOPMed 0.00046; 1000 Genomes Project 30x 0.00047.
gnomAD v4.1: 133 of 1,551,092 alleles (0.0086%); highest among the groups gnomAD compares: African/African-American, 0.1%; 1 homozygote.

Submissions (3):

PreventionGenetics, part of Exact Sciences
Classification: Uncertain significance for COL18A1-related condition. Last evaluated: 2026-09-23. Review status: criteria provided, single submitter. Criteria: ACMG Guidelines, 2015. Collection method: clinical testing. Allele origin: germline.
Comment: The COL18A1 c.3607G>A variant is predicted to result in the amino acid substitution p.Ala1203Thr. To our knowledge, this variant has not been reported in the literature. This variant is reported in 0.095% of alleles in individuals of African descent in gnomAD. Although we suspect that this variant may be benign, at this time, the clinical significance of this variant is uncertain due to the absence of conclusive functional and genetic evidence.

Blueprint Genetics
Classification: Likely benign. Last evaluated: 2024-08-21. Review status: criteria provided, single submitter. Criteria: ACMG Guidelines, 2015. Collection method: clinical testing. Allele origin: germline.

Labcorp Genetics (formerly Invitae), Labcorp
Classification: Uncertain significance. Last evaluated: 2022-09-03. Review status: criteria provided, single submitter. Criteria: Invitae Variant Classification Sherloc (09022015). Collection method: clinical testing. Allele origin: germline.
Comment: This sequence change replaces alanine, which is neutral and non-polar, with threonine, which is neutral and polar, at codon 1023 of the COL18A1 protein (p.Ala1023Thr). This variant is present in population databases (rs367825934, gnomAD 0.1%). This variant has not been reported in the literature in individuals affected with COL18A1-related conditions. ClinVar contains an entry for this variant (Variation ID: 1493342). Experimental studies and prediction algorithms are not available or were not evaluated, and the functional significance of this variant is currently unknown. In summary, the available evidence is currently insufficient to determine the role of this variant in disease. Therefore, it has been classified as a Variant of Uncertain Significance.

NM_001379500.1(COL18A1):c.3076G>A (p.Ala1026Thr)

Genes: SLC19A1 (solute carrier family 19 member 1; minus strand), COL18A1 (collagen type XVIII alpha 1 chain; plus strand). Cytogenetic location: 21q22.3.
Variant type: single nucleotide variant.
Coding change: c.3076G>A on transcript NM_001379500.1 (MANE Select); coding-DNA position 3076, G replaced by A.
Protein change: p.Ala1026Thr; replaces alanine 1026 with threonine.
Molecular consequence: missense variant.
Genome position (GRCh38, 1-based): chr21:45,505,420, G>A. VCF-style: chr21-45505420-G-A. GRCh37 (hg19) VCF-style: chr21-46925334-G-A.
Other names: c.3607G>A, p.Ala1203Thr (NM_030582.4); c.4312G>A, p.Ala1438Thr (NM_130444.3); c.3607G>A (NM_030582.3); short protein forms A1026T, A1203T, A1438T.
Identifiers: ClinVar variation 1493342 (VCV001493342.5), dbSNP rs367825934, ClinGen allele CA10067665.